The following is an entry in ClinVar:

ClinVar aggregate classification (germline): Pathogenic (1 of 4 stars; one submission).

Conditions:
Gorlin syndrome. Also called: Nevoid Basal Cell Carcinoma Syndrome; Basal cell nevus syndrome. Identifiers: Orphanet 377, MedGen C0004779, MONDO:0007187.

Submission:

Labcorp Genetics (formerly Invitae), Labcorp
Classification: Pathogenic for Gorlin syndrome. Last evaluated: 2020-11-24. Review status: criteria provided, single submitter. Criteria: Invitae Variant Classification Sherloc (09022015). Collection method: clinical testing. Allele origin: germline.
Comment: For these reasons, this variant has been classified as Pathogenic. This variant has not been reported in the literature in individuals with PTCH1-related conditions. This variant is not present in population databases (ExAC no frequency). This sequence change creates a premature translational stop signal (p.Ala119Argfs*15) in the PTCH1 gene. It is expected to result in an absent or disrupted protein product. Loss-of-function variants in PTCH1 are known to be pathogenic (PMID: 16301862, 16419085).

Literature cited by the submitters: PubMed 16301862; PubMed 16419085.

NM_000264.5(PTCH1):c.354_363del (p.Ala119fs)

Gene: PTCH1 (patched 1; minus strand). Cytogenetic location: 9q22.32.
Variant type: Deletion.
Coding change: c.354_363del on transcript NM_000264.5 (MANE Select); coding-DNA positions 354 to 363, 10 bases deleted (AGCGAACCTC; older notation c.354_363delAGCGAACCTC).
Protein change: p.Ala119fs; shifts the reading frame from alanine 119.
Molecular consequence: frameshift variant. On other transcripts: 5 prime UTR variant (4), non-coding transcript variant (1).
Genome position (GRCh38, 1-based): chr9:95,506,438-95,506,447, GAGGTTCGCT deleted on the plus strand (AGCGAACCTC on the coding strand, the reverse complement: PTCH1 is on the minus strand); deleting any 10 consecutive bases within chr9:95,506,438-95,506,448 gives the same sequence; the c. name uses the placement nearest the transcript's 3' end. VCF-style (leftmost placement, unchanged base first): chr9-95506437-CGAGGTTCGCT-C. GRCh37 (hg19) VCF-style: chr9-98268719-CGAGGTTCGCT-C.
Other names: c.156_165del, p.Ala53fs (NM_001083602.3, NM_001354919.2); c.351_360del, p.Ala118fs (NM_001083603.3); c.-100_-91del (NM_001083604.3, NM_001083605.3, NM_001083606.3 and 1 more transcripts); c.354_363del, p.Ala119fs (NM_001354918.2); short protein forms A118fs, A53fs, A119fs.
Identifiers: ClinVar variation 1387306 (VCV001387306.6), dbSNP rs2118874752, ClinGen allele CA2573144855.